The following is an entry in ClinVar:

ClinVar aggregate classification (germline): Pathogenic/Likely pathogenic. Review status: criteria provided, multiple submitters, no conflicts (2 of 4 stars). 3 submissions from 3 submitters: Pathogenic (2); Likely pathogenic (1). Last evaluated 2024-07-30.

Conditions:
CTNS-related disorder. Also called: CTNS-related condition.
Nephropathic cystinosis (CTNS). Also called: Abderhalden Lignac Kaufmann disease; Abderhalden-Kaufmann-Lignac syndrome; CYSTINOSIN, DEFECT OF; LYSOSOMAL CYSTINE TRANSPORT PROTEIN, DEFECT OF. Identifiers: Orphanet 213, Orphanet 411629, MedGen C2931187, MONDO:0100151, OMIM 219800.
Ocular cystinosis. Also called: Non-Nephropathic Cystinosis; Non-Nephropathic (Ocular) Cystinosis. Identifiers: Orphanet 213, Orphanet 411641, MedGen C2931013, MONDO:0009064, OMIM 219750.
Juvenile nephropathic cystinosis. Also called: Intermediate Cystinosis; CYSTINOSIS, LATE-ONSET JUVENILE OR ADOLESCENT NEPHROPATHIC TYPE; Later-Onset (Juvenile) Cystinosis. Identifiers: Orphanet 213, Orphanet 411634, MedGen C0268626, MONDO:0009066, OMIM 219900.
Inborn genetic diseases. Identifiers: MedGen C0950123, MeSH D030342.

Submissions (3):

3billion
Classification: Pathogenic for CTNS-related disorder. Last evaluated: 2024-07-30. Review status: criteria provided, single submitter. Criteria: ACMG Guidelines, 2015. Collection method: clinical testing. Allele origin: germline. Affected: yes.
Comment: The variant is not observed in the gnomAD v4.0.0 dataset. Predicted Consequence/Location: Stop-gained (nonsense): predicted to result in a loss or disruption of normal protein function through nonsense-mediated decay (NMD) or protein truncation. Multiple pathogenic variants are reported downstream of the variant. The variant has been reported at least twice as pathogenic without evidence for the classification (ClinVar ID: VCV001075103). Therefore, this variant is classified as Pathogenic according to the recommendation of ACMG/AMP guideline.

Baylor Genetics
Classification: Likely pathogenic for Nephropathic cystinosis. Last evaluated: 2023-03-07. Review status: criteria provided, single submitter. Criteria: ACMG Guidelines, 2015. Collection method: clinical testing. Allele origin: unknown.

Labcorp Genetics (formerly Invitae), Labcorp
Classification: Pathogenic for Inborn genetic diseases; Ocular cystinosis; Juvenile nephropathic cystinosis. Last evaluated: 2022-02-03. Review status: criteria provided, single submitter. Criteria: Invitae Variant Classification Sherloc (09022015). Collection method: clinical testing. Allele origin: germline.
Comment: For these reasons, this variant has been classified as Pathogenic. Algorithms developed to predict the effect of sequence changes on RNA splicing suggest that this variant may disrupt the consensus splice site. ClinVar contains an entry for this variant (Variation ID: 1075103). This variant has not been reported in the literature in individuals affected with CTNS-related conditions. This variant is not present in population databases (gnomAD no frequency). This sequence change creates a premature translational stop signal (p.Glu21*) in the CTNS gene. It is expected to result in an absent or disrupted protein product. Loss-of-function variants in CTNS are known to be pathogenic (PMID: 9537412, 27102039).

Literature cited by the submitters: PubMed 9537412 (cited by Labcorp Genetics (formerly Invitae), Labcorp); PubMed 27102039 (cited by Labcorp Genetics (formerly Invitae), Labcorp).

NM_004937.3(CTNS):c.61G>T (p.Glu21Ter)

Gene: CTNS (cystinosin, lysosomal cystine transporter; plus strand). Cytogenetic location: 17p13.2.
Variant type: single nucleotide variant.
Coding change: c.61G>T on transcript NM_004937.3 (MANE Select); coding-DNA position 61, G replaced by T.
Protein change: p.Glu21Ter; replaces glutamic acid 21 with a stop codon.
Molecular consequence: nonsense. On other transcripts: 5 prime UTR variant (2), intron variant (2).
Genome position (GRCh38, 1-based): chr17:3,640,267, G>T. VCF-style: chr17-3640267-G-T. GRCh37 (hg19) VCF-style: chr17-3543561-G-T.
Other names: c.61G>T, p.Glu21Ter (NM_001031681.3, NM_001374492.1); c.-296G>T (NM_001374493.1); c.-217G>T (NM_001374495.1); c.-381+2951G>T (NM_001374494.1); c.-296+2951G>T (NM_001374496.1); short protein forms E21*.
Identifiers: ClinVar variation 1075103 (VCV001075103.11), dbSNP rs2150889009, ClinGen allele CA397686485.